The following is an entry in ClinVar:

NM_014168.4(METTL5):c.103A>G (p.Ile35Val)

Gene: METTL5 (methyltransferase 5, N6-adenosine; minus strand). Cytogenetic location: 2q31.1.
Variant type: single nucleotide variant.
Coding change: c.103A>G on transcript NM_014168.4 (MANE Select); coding-DNA position 103, A replaced by G.
Protein change: p.Ile35Val; replaces isoleucine 35 with valine.
Molecular consequence: missense variant.
Genome position (GRCh38, 1-based): chr2:169,824,495, T>C on the plus strand (A>G on the coding strand, the complement: METTL5 is on the minus strand). VCF-style: chr2-169824495-T-C. GRCh37 (hg19) VCF-style: chr2-170681005-T-C.
Other names: c.103A>G, p.Ile35Val (NM_001293186.2, NM_001293187.2); short protein forms I35V.
Identifiers: ClinVar variation 2443178 (VCV002443178.2), dbSNP rs547177567, ClinGen allele CA1959751.
Genomic context (GRCh38, chr2:169,824,495, plus strand): 5'-AGAGTAGACTGGACTAACGCCGAAAGCCGGGGCGTGGTGAACCAGCCGCCCTACCTGCAA[T>C]GTGCGGCCTGGTAGGATACTGTTCCAGAAGTAGCTTGGGCTTTTCAAATCCATCCACTTG-3'
Protein context (NP_054887.2, residues 25-45): LLEQYPTRPH[Ile35Val]AACMLYTIHN

ClinVar aggregate classification (germline): Uncertain significance (0 of 4 stars; one submission).

Allele frequency attached by ClinVar (database versions not stated): TOPMed 0.00003; gnomAD 0.00010; ExAC 0.00030; 1000 Genomes Project 30x 0.00078; 1000 Genomes Project 0.00100.
gnomAD v4.1: 189 of 1,613,742 alleles (0.012%); highest among the groups gnomAD compares: South Asian, 0.18%; 1 homozygote.

Submission:

Genetic Services Laboratory, University of Chicago
Classification: Uncertain significance. Last evaluated: 2022-09-21. Review status: no assertion criteria provided. Collection method: clinical testing. Allele origin: germline. Affected: no.
Comment: DNA sequence analysis of the METTL5 gene demonstrated a sequence change, c.103A>G, in exon 1 that results in an amino acid change, p.Ile35Val. This sequence change does not appear to have been previously described in individuals with METTL5-related disorders. This sequence change has been described in the gnomAD database with a frequency of 0.18% in the South Asian subpopulation (dbSNP rs547177567). The p.Ile35Val change affects a highly conserved amino acid residue located in a domain of the METTL5 protein that is known to be functional. In-silico pathogenicity prediction tools (SIFT, PolyPhen2, Align GVGD, REVEL) provide contradictory results for the p.Ile35Val substitution. Due to insufficient evidences and the lack of functional studies, the clinical significance of the p.Ile35Val change remains unknown at this time. Biallelic pathogenic variants in METTL5 have been associated with autosomal recessive intellectual disability and microcephaly (PMID: 31564433)